The following is an entry in ClinVar:

NM_000278.5(PAX2):c.793-1G>A

Gene: PAX2 (paired box 2; plus strand). Cytogenetic location: 10q24.31.
Variant type: single nucleotide variant.
Coding change: c.793-1G>A on transcript NM_000278.5 (MANE Select); the canonical splice acceptor site of the intron before coding-DNA position 793, G replaced by A.
Molecular consequence: splice acceptor variant.
Genome position (GRCh38, 1-based): chr10:100,809,109, G>A. VCF-style: chr10-100809109-G-A. GRCh37 (hg19) VCF-style: chr10-102568866-G-A.
Other names: c.886-1G>A (NM_001304569.2); c.862-1G>A (NM_003987.5, NM_003990.5); c.793-1G>A (NM_003988.5, NM_003989.5).
Identifiers: ClinVar variation 2627542 (VCV002627542.1), dbSNP rs2493163498, ClinGen allele CA378259238.
Genomic context (GRCh38, chr10:100,809,109, plus strand): 5'-ACCGAGCCCTTTCTCTGTGCGTGCATCAATAGAGAGCTGTCACTTTTCTCTCTCCTCCCA[G>A]GGGAACGAGTACTCCCTCCCAGCCCTGACCCCTGGGCTTGATGAAGTCAAGTCGAGTCTA-3'

ClinVar aggregate classification (germline): Likely pathogenic (1 of 4 stars; one submission).

Conditions:
Renal coloboma syndrome (PAPRS). Also called: PAPILLORENAL SYNDROME; COLOBOMA OF OPTIC NERVE WITH RENAL DISEASE; OPTIC COLOBOMA, VESICOURETERAL REFLUX, AND RENAL ANOMALIES; OPTIC NERVE COLOBOMA WITH RENAL DISEASE; RENAL-COLOBOMA SYNDROME WITH MACULAR ABNORMALITIES; CONGENITAL ANOMALIES OF THE KIDNEY AND URINARY TRACT WITH OR WITHOUT OCULAR ABNORMALITIES. Identifiers: Orphanet 1475, MedGen C1852759, MONDO:0007352, OMIM 120330.

Submission:

Neuberg Centre For Genomic Medicine, NCGM
Classification: Likely pathogenic for Renal coloboma syndrome. Review status: criteria provided, single submitter. Criteria: ACMG Guidelines, 2015. Collection method: clinical testing. Allele origin: germline. Inheritance: Autosomal dominant inheritance. Affected: yes.
Comment: The splice acceptor variant c.793-1G>A in PAX2 (NM_000278.5) has not been reported previously as a pathogenic variant nor as a benign variant, to our knowledge. The c.793-1G>A variant is novel (not in any individuals) in gnomAD Exomes and is novel (not in any individuals) in 1000 Genomes. This variant affects an invariant splice nucleotide and hence is expected to cause loss of protein function. Loss of function variants have previously been reported to be disease causing. For these reasons, this variant has been classified as Likely Pathogenic.